The following is an entry in ClinVar:

NM_022482.5(GZF1):c.512G>T (p.Gly171Val)

Gene: GZF1 (GDNF inducible zinc finger protein 1; plus strand). Cytogenetic location: 20p11.21.
Variant type: single nucleotide variant.
Coding change: c.512G>T on transcript NM_022482.5 (MANE Select); coding-DNA position 512, G replaced by T.
Protein change: p.Gly171Val; replaces glycine 171 with valine.
Molecular consequence: missense variant.
Genome position (GRCh38, 1-based): chr20:23,364,895, G>T. VCF-style: chr20-23364895-G-T. GRCh37 (hg19) VCF-style: chr20-23345532-G-T.
Other names: c.512G>T, p.Gly171Val (NM_001317012.2, NM_001317019.1); short protein forms G171V.
Identifiers: ClinVar variation 1979527 (VCV001979527.4), dbSNP rs756084011, ClinGen allele CA9788523.

ClinVar aggregate classification (germline): Uncertain significance (1 of 4 stars; one submission).

Allele frequency attached by ClinVar (database versions not stated): gnomAD 0.00001; ExAC 0.00002; gnomAD exomes 0.00002; TOPMed 0.00002.
gnomAD v4.1: 29 of 1,614,090 alleles (0.0018%); highest among the groups gnomAD compares: Non-Finnish European, 0.0024%; no homozygotes.

Submission:

Labcorp Genetics (formerly Invitae), Labcorp
Classification: Uncertain significance. Last evaluated: 2022-04-03. Review status: criteria provided, single submitter. Criteria: Invitae Variant Classification Sherloc (09022015). Collection method: clinical testing. Allele origin: germline.
Comment: In summary, the available evidence is currently insufficient to determine the role of this variant in disease. Therefore, it has been classified as a Variant of Uncertain Significance. Algorithms developed to predict the effect of missense changes on protein structure and function output the following: SIFT: "Not Available"; PolyPhen-2: "Benign"; Align-GVGD: "Not Available". The valine amino acid residue is found in multiple mammalian species, which suggests that this missense change does not adversely affect protein function. This variant has not been reported in the literature in individuals affected with GZF1-related conditions. This variant is present in population databases (rs756084011, gnomAD 0.007%). This sequence change replaces glycine, which is neutral and non-polar, with valine, which is neutral and non-polar, at codon 171 of the GZF1 protein (p.Gly171Val).